The following is an entry in ClinVar:

NM_016151.4(TAOK2):c.3071C>T (p.Thr1024Ile)

Gene: TAOK2 (TAO kinase 2; plus strand). Cytogenetic location: 16p11.2.
Variant type: single nucleotide variant.
Coding change: c.3071C>T on transcript NM_016151.4 (MANE Select); coding-DNA position 3071, C replaced by T.
Protein change: p.Thr1024Ile; replaces threonine 1024 with isoleucine.
Molecular consequence: missense variant. On other transcripts: intron variant (1).
Genome position (GRCh38, 1-based): chr16:29,987,343, C>T. VCF-style: chr16-29987343-C-T. GRCh37 (hg19) VCF-style: chr16-29998664-C-T.
Other names: c.2732C>T, p.Thr911Ile (NM_001252043.2); c.2232+839C>T (NM_004783.4); short protein forms T1024I, T911I.
Identifiers: ClinVar variation 1468936 (VCV001468936.6), dbSNP rs909787343, ClinGen allele CA280400518.

ClinVar aggregate classification (germline): Uncertain significance (1 of 4 stars; one submission).

gnomAD v4.1: 2 of 1,555,680 alleles (0.00013%); highest among the groups gnomAD compares: Non-Finnish European, 0.000087%; no homozygotes.

Submission:

Labcorp Genetics (formerly Invitae), Labcorp
Classification: Uncertain significance. Last evaluated: 2022-02-20. Review status: criteria provided, single submitter. Criteria: Invitae Variant Classification Sherloc (09022015). Collection method: clinical testing. Allele origin: germline.
Comment: In summary, the available evidence is currently insufficient to determine the role of this variant in disease. Therefore, it has been classified as a Variant of Uncertain Significance. Algorithms developed to predict the effect of missense changes on protein structure and function output the following: SIFT: "Tolerated"; PolyPhen-2: "Benign"; Align-GVGD: "Class C0". The isoleucine amino acid residue is found in multiple mammalian species, which suggests that this missense change does not adversely affect protein function. This variant has not been reported in the literature in individuals affected with TAOK2-related conditions. This variant is not present in population databases (gnomAD no frequency). This sequence change replaces threonine, which is neutral and polar, with isoleucine, which is neutral and non-polar, at codon 1024 of the TAOK2 protein (p.Thr1024Ile).